The following is an entry in ClinVar:

NM_001291088.2(WDR87):c.562C>T (p.His188Tyr)

Gene: WDR87 (WD repeat domain 87; minus strand). Cytogenetic location: 19q13.13.
Variant type: single nucleotide variant.
Coding change: c.562C>T on transcript NM_001291088.2 (MANE Select); coding-DNA position 562, C replaced by T.
Protein change: p.His188Tyr; replaces histidine 188 with tyrosine.
Molecular consequence: missense variant.
Genome position (GRCh38, 1-based): chr19:37,895,141, G>A on the plus strand (C>T on the coding strand, the complement: WDR87 is on the minus strand). VCF-style: chr19-37895141-G-A. GRCh37 (hg19) VCF-style: chr19-38385781-G-A.
Other names: c.445C>T (NM_031951.3); c.445C>T, p.His149Tyr (NM_031951.5); short protein forms H149Y, H188Y.
Identifiers: ClinVar variation 2800207 (VCV002800207.4), dbSNP rs1427355168, ClinGen allele CA405623574.

ClinVar aggregate classification (germline): Uncertain significance. Review status: criteria provided, multiple submitters, no conflicts (2 of 4 stars). 2 submissions from 2 submitters: Uncertain significance (2). Last evaluated 2025-05-01.

Allele frequency attached by ClinVar (database versions not stated): gnomAD exomes below 0.00001.
gnomAD v4.1: 7 of 1,551,588 alleles (0.00045%); highest among the groups gnomAD compares: Admixed American, 0.002%; no homozygotes.

Submissions (2):

Ambry Genetics
Classification: Uncertain significance. Last evaluated: 2025-05-01. Review status: criteria provided, single submitter. Criteria: Ambry Variant Classification Scheme 2023. Collection method: clinical testing. Allele origin: germline.

Labcorp Genetics (formerly Invitae), Labcorp
Classification: Uncertain significance. Last evaluated: 2023-06-29. Review status: criteria provided, single submitter. Criteria: Invitae Variant Classification Sherloc (09022015). Collection method: clinical testing. Allele origin: germline.
Comment: Algorithms developed to predict the effect of missense changes on protein structure and function output the following: SIFT: "Not Available"; PolyPhen-2: "Benign"; Align-GVGD: "Not Available". The tyrosine amino acid residue is found in multiple mammalian species, which suggests that this missense change does not adversely affect protein function. In summary, the available evidence is currently insufficient to determine the role of this variant in disease. Therefore, it has been classified as a Variant of Uncertain Significance. This variant has not been reported in the literature in individuals affected with WDR87-related conditions. This variant is present in population databases (no rsID available, gnomAD no frequency). This sequence change replaces histidine, which is basic and polar, with tyrosine, which is neutral and polar, at codon 149 of the WDR87 protein (p.His149Tyr).